The following is an entry in ClinVar:

NM_014975.3(MAST1):c.3611T>C (p.Leu1204Pro)

Gene: MAST1 (microtubule associated serine/threonine kinase 1; plus strand). Cytogenetic location: 19p13.13.
Variant type: single nucleotide variant.
Coding change: c.3611T>C on transcript NM_014975.3 (MANE Select); coding-DNA position 3611, T replaced by C.
Protein change: p.Leu1204Pro; replaces leucine 1204 with proline.
Molecular consequence: missense variant.
Genome position (GRCh38, 1-based): chr19:12,873,768, T>C. VCF-style: chr19-12873768-T-C. GRCh37 (hg19) VCF-style: chr19-12984582-T-C.
Other names: short protein forms L1204P.
Identifiers: ClinVar variation 4281727 (VCV004281727.1).

ClinVar aggregate classification (germline): Uncertain significance (1 of 4 stars; one submission).

gnomAD v4.1: 1 of 1,600,566 alleles (0.000062%); highest among the groups gnomAD compares: Non-Finnish European, 0.000085%; no homozygotes.

Submission:

GeneDx
Classification: Uncertain significance. Last evaluated: 2025-04-07. Review status: criteria provided, single submitter. Criteria: GeneDx Variant Classification Process June 2021. Collection method: clinical testing. Allele origin: germline. Affected: yes.
Comment: Not observed at significant frequency in large population cohorts (gnomAD); In silico analysis supports that this missense variant has a deleterious effect on protein structure/function; Has not been previously published as pathogenic or benign to our knowledge